The following is an entry in ClinVar:

NM_001256789.3(CACNA1F):c.2159G>A (p.Gly720Glu)

Gene: CACNA1F (calcium voltage-gated channel subunit alpha1 F; minus strand). Cytogenetic location: Xp11.23.
Variant type: single nucleotide variant.
Coding change: c.2159G>A on transcript NM_001256789.3 (MANE Select); coding-DNA position 2159, G replaced by A.
Protein change: p.Gly720Glu; replaces glycine 720 with glutamic acid.
Molecular consequence: missense variant.
Genome position (GRCh38, 1-based): chrX:49,222,765, C>T on the plus strand (G>A on the coding strand, the complement: CACNA1F is on the minus strand). VCF-style: chrX-49222765-C-T. GRCh37 (hg19) VCF-style: chrX-49079224-C-T.
Other names: c.1997G>A, p.Gly666Glu (NM_001256790.3); c.2192G>A, p.Gly731Glu (NM_005183.4); short protein forms G731E, G720E, G666E.
Identifiers: ClinVar variation 1368375 (VCV001368375.9), dbSNP rs2147913654, ClinGen allele CA412910593.

ClinVar aggregate classification (germline): Uncertain significance. Review status: criteria provided, multiple submitters, no conflicts (2 of 4 stars). 2 submissions from 2 submitters: Uncertain significance (2). Last evaluated 2024-08-13.

Submissions (2):

Labcorp Genetics (formerly Invitae), Labcorp
Classification: Uncertain significance. Last evaluated: 2024-08-13. Review status: criteria provided, single submitter. Criteria: Invitae Variant Classification Sherloc (09022015). Collection method: clinical testing. Allele origin: germline.
Comment: This sequence change replaces glycine, which is neutral and non-polar, with glutamic acid, which is acidic and polar, at codon 731 of the CACNA1F protein (p.Gly731Glu). This variant is not present in population databases (gnomAD no frequency). This variant has not been reported in the literature in individuals affected with CACNA1F-related conditions. ClinVar contains an entry for this variant (Variation ID: 1368375). Advanced modeling of protein sequence and biophysical properties (such as structural, functional, and spatial information, amino acid conservation, physicochemical variation, residue mobility, and thermodynamic stability) performed at Invitae indicates that this missense variant is expected to disrupt CACNA1F protein function with a positive predictive value of 80%. In summary, the available evidence is currently insufficient to determine the role of this variant in disease. Therefore, it has been classified as a Variant of Uncertain Significance.

Blueprint Genetics
Classification: Uncertain significance. Last evaluated: 2019-10-07. Review status: criteria provided, single submitter. Criteria: ACMG Guidelines, 2015. Collection method: clinical testing. Allele origin: germline.